The following is an entry in ClinVar:

ClinVar aggregate classification (germline): Uncertain significance. Review status: criteria provided, multiple submitters, no conflicts (2 of 4 stars). 2 submissions from 2 submitters: Uncertain significance (2). Last evaluated 2021-08-31.

Conditions:
Autosomal recessive limb-girdle muscular dystrophy type 2J (LGMDR10). Also called: Limb-girdle muscular dystrophy, type 2J; MUSCULAR DYSTROPHY, LIMB-GIRDLE, AUTOSOMAL RECESSIVE 10. Identifiers: Orphanet 140922, MedGen C1837342, MONDO:0012127, OMIM 608807.
Dilated cardiomyopathy 1G (CMD1G). Identifiers: Orphanet 154, MedGen C1858763, MONDO:0011400, OMIM 604145.

Submissions (2):

Labcorp Genetics (formerly Invitae), Labcorp
Classification: Uncertain significance for Dilated cardiomyopathy 1G; Autosomal recessive limb-girdle muscular dystrophy type 2J. Last evaluated: 2021-08-31. Review status: criteria provided, single submitter. Criteria: Invitae Variant Classification Sherloc (09022015). Collection method: clinical testing. Allele origin: germline.
Comment: This variant, c.32936_32938del, results in the deletion of 1 amino acid(s) of the TTN protein (p.Glu10979del), but otherwise preserves the integrity of the reading frame. This variant is present in population databases (rs774683936, ExAC 0.002%). This variant has not been reported in the literature in individuals affected with TTN-related conditions. Experimental studies and prediction algorithms are not available or were not evaluated, and the functional significance of this variant is currently unknown. This variant is located in the I band of TTN (PMID: 25589632). Variants in this region may be clinically relevant, but have not been definitively shown to cause cardiomyopathy or neuromuscular disease (PMID: 27493940, 32778822). In summary, the available evidence is currently insufficient to determine the role of this variant in disease. Therefore, it has been classified as a Variant of Uncertain Significance.

Revvity Omics, Revvity
Classification: Uncertain significance. Last evaluated: 2019-05-17. Review status: criteria provided, single submitter. Criteria: ACMG Guidelines, 2015. Collection method: clinical testing. Allele origin: germline.

Literature cited by the submitters: PubMed 25589632 (cited by Labcorp Genetics (formerly Invitae), Labcorp); PubMed 27493940 (cited by Labcorp Genetics (formerly Invitae), Labcorp); PubMed 32778822 (cited by Labcorp Genetics (formerly Invitae), Labcorp).

NM_001267550.2(TTN):c.32930AAG[2] (p.Glu10979del)

Gene: TTN (titin; minus strand). Cytogenetic location: 2q31.2.
Variant type: Microsatellite.
Coding change: c.32930AAG[2] on transcript NM_001267550.2 (MANE Select); two copies in a row of the 3-base unit AAG starting at c.32930; the reference has three copies in a row; one copy, 3 bases deleted.
Protein change: p.Glu10979del; deletes glutamic acid 10979.
Molecular consequence: inframe deletion. On other transcripts: intron variant (3).
Genome position (GRCh38, 1-based): chr2:178,682,853-178,682,855, CTT deleted on the plus strand (AAG on the coding strand, the reverse complement: TTN is on the minus strand); deleting any 3 consecutive bases within chr2:178,682,853-178,682,863 gives the same sequence; the position shown is the placement nearest the transcript's 3' end. VCF-style (leftmost placement, unchanged base first): chr2-178682852-GCTT-G. GRCh37 (hg19) VCF-style: chr2-179547579-GCTT-G.
Other names: c.32936_32938delAAG (NM_001267550.2); c.31979AAG[2], p.Glu10662del (NM_001256850.1); c.29198AAG[2], p.Glu9735del (NM_133378.4); c.13283-40544AAG[2] (NM_003319.4); c.13859-40544AAG[2] (NM_133437.4); c.13658-40544AAG[2] (NM_133432.3); c.29204_29206del (NM_133378.4); short protein forms E10979del, E10662del, E9735del.
Identifiers: ClinVar variation 467023 (VCV000467023.8), dbSNP rs774683936, ClinGen allele CA1998486.